The following is an entry in ClinVar:

ClinVar aggregate classification (germline): Likely pathogenic (0 of 4 stars; one submission).

Conditions:
Retinitis pigmentosa (RP). Identifiers: Orphanet 791, MedGen C0035334, MeSH D012174, MONDO:0019200, OMIM 268000. Inheritance: Autosomal dominant, autosomal recessive and X linked inheritance.

Submission:

Department of Ophthalmology and Visual Sciences Kyoto University
Classification: Likely pathogenic for Retinitis pigmentosa. Review status: no assertion criteria provided. Collection method: not provided. Allele origin: unknown.
ClinVar note: Converted during submission from probable-pathogenic to Likely pathogenic.

NM_001029883.3(PCARE):c.2126del (p.Gly709fs)

Gene: PCARE (photoreceptor cilium actin regulator; minus strand). Cytogenetic location: 2p23.2.
Variant type: Deletion.
Coding change: c.2126del on transcript NM_001029883.3 (MANE Select); coding-DNA position 2126, one base deleted (G; older notation c.2126delG).
Protein change: p.Gly709fs; shifts the reading frame from glycine 709.
Molecular consequence: frameshift variant.
Genome position (GRCh38, 1-based): chr2:29,072,136, C deleted on the plus strand (G on the coding strand, the reverse complement: PCARE is on the minus strand); the first of 2 consecutive C bases (chr2:29,072,136-29,072,137); deleting either gives the same sequence. VCF-style (leftmost placement, unchanged base first): chr2-29072135-TC-T. GRCh37 (hg19) VCF-style: chr2-29295001-TC-T.
Other names: short protein forms G709fs.
Identifiers: ClinVar variation 143087 (VCV000143087.2), dbSNP rs527236055, ClinGen allele CA270031.
Genomic context (GRCh38, chr2:29,072,135, plus strand): 5'-TGTTCTGGTGGGACAGCCTCTGACATTCCAGTCTGTGGCCTTGGCAGCCTCACTGACCTC[TC>T]CTGATGGGATGGCATTTGGAAGCTTCCCAGCTTTGCCTTGTTCGTCCTCAGGATGGGGAT-3'